The following is an entry in ClinVar:

NM_001876.4(CPT1A):c.2243A>T (p.His748Leu)

Gene: CPT1A (carnitine palmitoyltransferase 1A; minus strand). Cytogenetic location: 11q13.3.
Variant type: single nucleotide variant.
Coding change: c.2243A>T on transcript NM_001876.4 (MANE Select); coding-DNA position 2243, A replaced by T.
Protein change: p.His748Leu; replaces histidine 748 with leucine.
Molecular consequence: missense variant. On other transcripts: intron variant (1).
Genome position (GRCh38, 1-based): chr11:68,757,723, T>A on the plus strand (A>T on the coding strand, the complement: CPT1A is on the minus strand). VCF-style: chr11-68757723-T-A. GRCh37 (hg19) VCF-style: chr11-68525191-T-A.
Other names: c.2235+1846A>T (NM_001031847.3); short protein forms H748L.
Identifiers: ClinVar variation 960747 (VCV000960747.8), dbSNP rs900349852, ClinGen allele CA223365022.
Genomic context (GRCh38, chr11:68,757,723, plus strand): 5'-CTGAGACCAAACAAAGTGATGATGTCAGTCATTGCTTCTTTCAGGTGCCTTCCAAAGCGA[T>A]GAGAATCCTTTCATGTAAAAACAAAAACCAAAAACCTATTAAAACGTGGCCATCCCCACA-3'
Protein context (NP_001867.2, residues 738-758): SKFSCPETDS[His748Leu]RFGRHLKEAM

ClinVar aggregate classification (germline): Uncertain significance. Review status: criteria provided, single submitter (1 of 4 stars). 2 submissions from 2 submitters: Uncertain significance (1). 1 of the submissions does not count toward it. Last evaluated 2019-11-03.

Conditions:
Carnitine palmitoyl transferase 1A deficiency. Also called: CPT deficiency, hepatic, type IA; Carnitine palmitoyltransferase 1A deficiency; CPT I DEFICIENCY; CPT DEFICIENCY, HEPATIC, TYPE I; Carnitine palmitoyltransferase type I deficiency. Identifiers: Orphanet 156, MedGen C1829703, MONDO:0009705, OMIM 255120.

Allele frequency attached by ClinVar (database versions not stated): gnomAD exomes 0.00001; gnomAD 0.00003 and 0.00004; TOPMed 0.00004.
gnomAD v4.1: 11 of 1,613,124 alleles (0.00068%); highest among the groups gnomAD compares: African/African-American, 0.0013%; no homozygotes.

Submissions (3):

Labcorp Genetics (formerly Invitae), Labcorp
Classification: Uncertain significance for Carnitine palmitoyl transferase 1A deficiency. Last evaluated: 2019-11-03. Review status: criteria provided, single submitter. Criteria: Invitae Variant Classification Sherloc (09022015). Collection method: clinical testing. Allele origin: germline.
Comment: This sequence change replaces histidine with leucine at codon 748 of the CPT1A protein (p.His748Leu). The histidine residue is moderately conserved and there is a moderate physicochemical difference between histidine and leucine. This variant is not present in population databases (ExAC no frequency). This variant has not been reported in the literature in individuals with CPT1A-related conditions. Algorithms developed to predict the effect of missense changes on protein structure and function are either unavailable or do not agree on the potential impact of this missense change (SIFT: "Deleterious"; PolyPhen-2: "Benign"; Align-GVGD: "Class C0"). In summary, the available evidence is currently insufficient to determine the role of this variant in disease. Therefore, it has been classified as a Variant of Uncertain Significance.

Natera, Inc.
Classification: Uncertain significance for Carnitine palmitoyltransferase type I deficiency. Last evaluated: 2020-09-24. Review status: no assertion criteria provided. Collection method: clinical testing. Allele origin: germline. Not counted in ClinVar's aggregate classification.

Dr. Peter K. Rogan Lab, Western University
No classification provided (evidence only). Condition: Uveal melanoma. Review status: no classification provided. Collection method: in vitro. Allele origin: not applicable. Functional consequence: retained intron. Not counted in ClinVar's aggregate classification.